The following is an entry in ClinVar:

NM_002074.5(GNB1):c.753dup (p.Leu252fs)

Gene: GNB1 (G protein subunit beta 1; minus strand). Cytogenetic location: 1p36.33.
Variant type: Duplication.
Coding change: c.753dup on transcript NM_002074.5 (MANE Select); coding-DNA position 753, one base duplicated (G; older notation c.753dupG).
Protein change: p.Leu252fs; shifts the reading frame from leucine 252.
Molecular consequence: frameshift variant.
Genome position (GRCh38, 1-based): chr1:1,789,216, C duplicated on the plus strand (G on the coding strand, the reverse complement: GNB1 is on the minus strand); the first of 2 consecutive C bases (chr1:1,789,216-1,789,217); duplicating either gives the same sequence. VCF-style (leftmost placement, unchanged base first): chr1-1789215-G-GC. GRCh37 (hg19) VCF-style: chr1-1720654-G-GC.
Other names: c.453dup, p.Leu152fs (NM_001282538.2); c.753dup, p.Leu252fs (NM_001282539.2); short protein forms L152fs, L252fs.
Identifiers: ClinVar variation 4720311 (VCV004720311.1).
Genomic context (GRCh38, chr1:1,789,215, plus strand): 5'-CGCAGATGATGTTGTCATGGGAGTAAGTCATGAGCTCCTGGTCAGCACGAAGGTCAAACA[G>GC]CCTGCAGGTGGCGTCGTCTGAGCCAGTGGCAAATGCATTGCCATTTGGAAAGAACTGGAA-3'

ClinVar aggregate classification (germline): Pathogenic (1 of 4 stars; one submission).

Submission:

Labcorp Genetics (formerly Invitae), Labcorp
Classification: Pathogenic. Last evaluated: 2025-05-27. Review status: criteria provided, single submitter. Criteria: Invitae Variant Classification Sherloc (09022015). Collection method: clinical testing. Allele origin: germline.
Comment: This sequence change creates a premature translational stop signal (p.Leu252Alafs*3) in the GNB1 gene. It is expected to result in an absent or disrupted protein product. Loss-of-function variants in GNB1 are known to be pathogenic (PMID: 25485910, 27108799, 28087732, 32918542). This variant is not present in population databases (gnomAD no frequency). This variant has not been reported in the literature in individuals affected with GNB1-related conditions. For these reasons, this variant has been classified as Pathogenic.

Literature cited by the submitters: PubMed 25485910; PubMed 27108799; PubMed 28087732; PubMed 32918542.